The following is an entry in ClinVar:

NM_020461.4(TUBGCP6):c.3959G>A (p.Arg1320Gln)

Gene: TUBGCP6 (tubulin gamma complex component 6; minus strand). Cytogenetic location: 22q13.33.
Variant type: single nucleotide variant.
Coding change: c.3959G>A on transcript NM_020461.4 (MANE Select); coding-DNA position 3959, G replaced by A.
Protein change: p.Arg1320Gln; replaces arginine 1320 with glutamine.
Molecular consequence: missense variant.
Genome position (GRCh38, 1-based): chr22:50,220,400, C>T on the plus strand (G>A on the coding strand, the complement: TUBGCP6 is on the minus strand). VCF-style: chr22-50220400-C-T. GRCh37 (hg19) VCF-style: chr22-50658829-C-T.
Other names: c.3959G>A (NM_020461.3); short protein forms R1320Q.
Identifiers: ClinVar variation 1363793 (VCV001363793.8), dbSNP rs1238471583, ClinGen allele CA412177607.

ClinVar aggregate classification (germline): Conflicting classifications of pathogenicity. Review status: criteria provided, conflicting classifications (1 of 4 stars). 2 submissions from 2 submitters: Uncertain significance (1); Likely benign (1). Last evaluated 2025-12-04.

Conditions:
Inborn genetic diseases. Identifiers: MedGen C0950123, MeSH D030342.

Allele frequency attached by ClinVar (database versions not stated): gnomAD 0.00002 and 0.00003; gnomAD exomes 0.00001; TOPMed 0.00001.
gnomAD v4.1: 22 of 1,577,894 alleles (0.0014%); highest among the groups gnomAD compares: Admixed American, 0.01%; no homozygotes.

Submissions (2):

Ambry Genetics
Classification: Likely benign for Inborn genetic diseases. Last evaluated: 2025-12-04. Review status: criteria provided, single submitter. Criteria: Ambry Variant Classification Scheme 2023. Collection method: clinical testing. Allele origin: germline.

Labcorp Genetics (formerly Invitae), Labcorp
Classification: Uncertain significance. Last evaluated: 2023-12-19. Review status: criteria provided, single submitter. Criteria: Invitae Variant Classification Sherloc (09022015). Collection method: clinical testing. Allele origin: germline.
Comment: This sequence change replaces arginine, which is basic and polar, with glutamine, which is neutral and polar, at codon 1320 of the TUBGCP6 protein (p.Arg1320Gln). This variant is present in population databases (no rsID available, gnomAD 0.006%). This variant has not been reported in the literature in individuals affected with TUBGCP6-related conditions. ClinVar contains an entry for this variant (Variation ID: 1363793). Algorithms developed to predict the effect of missense changes on protein structure and function output the following: SIFT: "Not Available"; PolyPhen-2: "Benign"; Align-GVGD: "Not Available". The glutamine amino acid residue is found in multiple mammalian species, which suggests that this missense change does not adversely affect protein function. In summary, the available evidence is currently insufficient to determine the role of this variant in disease. Therefore, it has been classified as a Variant of Uncertain Significance.